The following is an entry in ClinVar:

ClinVar aggregate classification (germline): Uncertain significance. Review status: criteria provided, multiple submitters, no conflicts (2 of 4 stars). 6 submissions from 4 submitters: Uncertain significance (6). Last evaluated 2024-08-27.

Conditions:
Diabetes mellitus, transient neonatal, 2 (TNDM2). Identifiers: Orphanet 99886, MedGen C1835887, MONDO:0012480, OMIM 610374. Disease mechanism: loss of function.
Hyperinsulinemic hypoglycemia, familial, 1 (HHF1). Also called: Persistent hyperinsulinemic hypoglycemia of infancy; NESIDIOBLASTOSIS OF PANCREAS; Persistent Hyperinsulinemia Hypoglycemia of Infancy; HYPERINSULINISM, FAMILIAL, WITH PANCREATIC NESIDIOBLASTOSIS; HYPOGLYCEMIA, HYPERINSULINEMIC, OF INFANCY. Identifiers: Orphanet 276575, Orphanet 276598, MedGen C2931832, MONDO:0009734, OMIM 256450.
Permanent neonatal diabetes mellitus (PNDM). Identifiers: Orphanet 99885, MedGen C1833104, MONDO:0100164, MONDO:0011643. Disease mechanism: gain of function.

Allele frequency attached by ClinVar (database versions not stated): ExAC 0.00001; gnomAD exomes 0.00001; TOPMed 0.00001.
gnomAD v4.1: 10 of 1,614,212 alleles (0.00062%); highest among the groups gnomAD compares: Admixed American, 0.005%; no homozygotes.

Submissions (6):

Labcorp Genetics (formerly Invitae), Labcorp
Classification: Uncertain significance. Last evaluated: 2024-08-27. Review status: criteria provided, single submitter. Criteria: Invitae Variant Classification Sherloc (09022015). Collection method: clinical testing. Allele origin: germline.
Comment: This sequence change replaces serine, which is neutral and polar, with leucine, which is neutral and non-polar, at codon 1018 of the ABCC8 protein (p.Ser1018Leu). This variant is present in population databases (rs775087568, gnomAD 0.003%). This missense change has been observed in individual(s) with diabetes (PMID: 31595705, 32027066). ClinVar contains an entry for this variant (Variation ID: 303767). Invitae Evidence Modeling of protein sequence and biophysical properties (such as structural, functional, and spatial information, amino acid conservation, physicochemical variation, residue mobility, and thermodynamic stability) has been performed for this missense variant. However, the output from this modeling did not meet the statistical confidence thresholds required to predict the impact of this variant on ABCC8 protein function. Algorithms developed to predict the effect of sequence changes on RNA splicing suggest that this variant may create or strengthen a splice site. In summary, the available evidence is currently insufficient to determine the role of this variant in disease. Therefore, it has been classified as a Variant of Uncertain Significance.

Blueprint Genetics
Classification: Uncertain significance. Last evaluated: 2023-08-11. Review status: criteria provided, single submitter. Criteria: ACMG Guidelines, 2015. Collection method: clinical testing. Allele origin: germline.

ARUP Laboratories, Molecular Genetics and Genomics, ARUP Laboratories
Classification: Uncertain significance. Last evaluated: 2021-11-16. Review status: criteria provided, single submitter. Criteria: ARUP Molecular Germline Variant Investigation Process 2021. Collection method: clinical testing. Allele origin: germline.
Comment: The ABCC8 c.3053C>T; p.Ser1018Leu variant (rs775087568) is reported in an individual undergoing genetic testing for maturity-onset diabetes of the young (De Santana 2019). The variant is reported in the ClinVar database (Variation ID: 303767) and is only observed on two alleles in the Genome Aggregation Database, indicating it is not a common polymorphism. The serine at codon 1018 is highly conserved, but computational analyses are uncertain whether this variant is neutral or deleterious (REVEL: 0.482). Due to limited information, the clinical significance of the p.Ser1018Leu variant is uncertain at this time. References: De Santana LS et al. Targeted sequencing identifies novel variants in common and rare MODY genes. Mol Genet Genomic Med. 2019 Dec;7(12):e962. PMID: 31595705.

Illumina Laboratory Services, Illumina
Classification: Uncertain significance for Permanent neonatal diabetes mellitus 1. Last evaluated: 2018-01-12. Review status: criteria provided, single submitter. Criteria: ICSL Variant Classification Criteria 13 December 2019. Collection method: clinical testing. Allele origin: germline.

Illumina Laboratory Services, Illumina
Classification: Uncertain significance for Hyperinsulinemic hypoglycemia, familial, 1. Last evaluated: 2018-01-12. Review status: criteria provided, single submitter. Criteria: ICSL Variant Classification Criteria 13 December 2019. Collection method: clinical testing. Allele origin: germline.

Illumina Laboratory Services, Illumina
Classification: Uncertain significance for Diabetes mellitus, transient neonatal, 2. Last evaluated: 2018-01-12. Review status: criteria provided, single submitter. Criteria: ICSL Variant Classification Criteria 13 December 2019. Collection method: clinical testing. Allele origin: germline.

Literature cited by the submitters: PubMed 31595705 (cited by Labcorp Genetics (formerly Invitae), Labcorp); PubMed 32027066 (cited by Labcorp Genetics (formerly Invitae), Labcorp).

NM_000352.6(ABCC8):c.3053C>T (p.Ser1018Leu)

Gene: ABCC8 (ATP binding cassette subfamily C member 8; minus strand). Cytogenetic location: 11p15.1.
Variant type: single nucleotide variant.
Coding change: c.3053C>T on transcript NM_000352.6 (MANE Select); coding-DNA position 3053, C replaced by T.
Protein change: p.Ser1018Leu; replaces serine 1018 with leucine.
Molecular consequence: missense variant. On other transcripts: non-coding transcript variant (1).
Genome position (GRCh38, 1-based): chr11:17,406,997, G>A on the plus strand (C>T on the coding strand, the complement: ABCC8 is on the minus strand). VCF-style: chr11-17406997-G-A. GRCh37 (hg19) VCF-style: chr11-17428544-G-A.
Other names: c.3056C>T, p.Ser1019Leu (NM_001287174.3); c.3119C>T, p.Ser1040Leu (NM_001351295.2); c.3053C>T, p.Ser1018Leu (NM_001351296.2); c.3050C>T, p.Ser1017Leu (NM_001351297.2); short protein forms S1018L, S1019L, S1017L, S1040L.
Identifiers: ClinVar variation 303767 (VCV000303767.15), dbSNP rs775087568, ClinGen allele CA5902929.
Genomic context (GRCh38, chr11:17,406,997, plus strand): 5'-TCGGTCCACTTGGCCAGCCAGTAGTCGATGGCCACCAGGACCATGTGCTTGAGCAGCTGT[G>A]AGAAGACCAGCAACGACAGGAGCAGGATGCCGGCGGAGGACAGGTACTTGGCGCAGGCTC-3'
Protein context (NP_000343.2, residues 1008-1028): GILLLSLLVF[Ser1018Leu]QLLKHMVLVA